The following is an entry in ClinVar:

ClinVar aggregate classification (germline): Pathogenic (1 of 4 stars; one submission).

Conditions:
Familial dysfibrinogenemia. Also called: Dysfibrinogenemia, congenital. Identifiers: Orphanet 335, Orphanet 98881, MedGen C0272350, MONDO:0014452, OMIM 616004.

Submission:

Juno Genomics, Hangzhou Juno Genomics, Inc
Classification: Pathogenic for Familial dysfibrinogenemia. Review status: criteria provided, single submitter. Criteria: ACMG Guidelines, 2015. Collection method: clinical testing. Allele origin: germline.
Comment: Null variant in a gene where loss of function (LOF) is a known mechanism of disease.;Absent from controls (or at extremely low frequency if recessive) in Genome Aggregation Database.;The prevalence of the variant in affected individuals is significantly increased compared to the prevalence in controls.

NM_021870.3(FGG):c.124-2A>G

Gene: FGG (fibrinogen gamma chain; minus strand). Cytogenetic location: 4q32.1.
Variant type: single nucleotide variant.
Coding change: c.124-2A>G on transcript NM_021870.3 (MANE Select); the canonical splice acceptor site of the intron before coding-DNA position 124, A replaced by G.
Molecular consequence: splice acceptor variant.
Genome position (GRCh38, 1-based): chr4:154,612,203, T>C on the plus strand (A>G on the coding strand, the complement: FGG is on the minus strand). VCF-style: chr4-154612203-T-C. GRCh37 (hg19) VCF-style: chr4-155533355-T-C.
Other names: c.124-2A>G (NM_000509.6).
Identifiers: ClinVar variation 3381927 (VCV003381927.3).
Genomic context (GRCh38, chr4:154,612,203, plus strand): 5'-TTGGTTTGATAAGTAGACAGGAAATCTGCAATGCCACAGGTAGTTGGACAATAACTACCC[T>C]GAAAATATAACAGTGATTAAAAATGTAGACAGATGCTACTCTTAAAATCTATTAAGAAAA-3'